The following is an entry in ClinVar:

ClinVar aggregate classification (germline): Uncertain significance (1 of 4 stars; one submission).

Submission:

GeneDx
Classification: Uncertain significance. Last evaluated: 2023-12-07. Review status: criteria provided, single submitter. Criteria: GeneDx Variant Classification Process June 2021. Collection method: clinical testing. Allele origin: germline. Affected: yes.
Comment: Not observed at significant frequency in large population cohorts (gnomAD); In silico analysis supports that this missense variant has a deleterious effect on protein structure/function; Has not been previously published as pathogenic or benign to our knowledge

NM_006922.4(SCN3A):c.3020C>A (p.Ala1007Glu)

Gene: SCN3A (sodium voltage-gated channel alpha subunit 3; minus strand). Cytogenetic location: 2q24.3.
Variant type: single nucleotide variant.
Coding change: c.3020C>A on transcript NM_006922.4 (MANE Select); coding-DNA position 3020, C replaced by A.
Protein change: p.Ala1007Glu; replaces alanine 1007 with glutamic acid.
Molecular consequence: missense variant.
Genome position (GRCh38, 1-based): chr2:165,128,004, G>T on the plus strand (C>A on the coding strand, the complement: SCN3A is on the minus strand). VCF-style: chr2-165128004-G-T. GRCh37 (hg19) VCF-style: chr2-165984514-G-T.
Other names: c.2873C>A, p.Ala958Glu (NM_001081676.2, NM_001081677.2); short protein forms A1007E, A958E.
Identifiers: ClinVar variation 3252657 (VCV003252657.1), dbSNP rs2468237073.